The following is an entry in ClinVar:

NM_014159.7(SETD2):c.2606A>G (p.Asp869Gly)

Gene: SETD2 (SET domain containing 2, histone lysine methyltransferase; minus strand). Cytogenetic location: 3p21.31.
Variant type: single nucleotide variant.
Coding change: c.2606A>G on transcript NM_014159.7 (MANE Select); coding-DNA position 2606, A replaced by G.
Protein change: p.Asp869Gly; replaces aspartic acid 869 with glycine.
Molecular consequence: missense variant. On other transcripts: non-coding transcript variant (1).
Genome position (GRCh38, 1-based): chr3:47,122,030, T>C on the plus strand (A>G on the coding strand, the complement: SETD2 is on the minus strand). VCF-style: chr3-47122030-T-C. GRCh37 (hg19) VCF-style: chr3-47163520-T-C.
Other names: c.2474A>G, p.Asp825Gly (NM_001349370.3); short protein forms D825G, D869G.
Identifiers: ClinVar variation 4847997 (VCV004847997.3).

ClinVar aggregate classification (germline): Uncertain significance. Review status: criteria provided, multiple submitters, no conflicts (2 of 4 stars). 2 submissions from 2 submitters: Uncertain significance (2). Last evaluated 2026-02-06.

Submissions (2):

Women's Health and Genetics/Laboratory Corporation of America, LabCorp
Classification: Uncertain significance. Last evaluated: 2026-02-06. Review status: criteria provided, single submitter. Criteria: LabCorp Variant Classification Summary - May 2015. Collection method: clinical testing. Allele origin: germline.
Comment: Variant summary: SETD2 c.2606A>G (p.Asp869Gly) results in a non-conservative amino acid change in the encoded protein sequence. Algorithms developed to predict the effect of missense changes on protein structure and function are either unavailable or do not agree on the potential impact of this missense change. The variant was absent in 250092 control chromosomes. The available data on variant occurrences in the general population are insufficient to allow any conclusion about variant significance. To our knowledge, no occurrence of c.2606A>G in individuals affected with SETD2-related conditions and no experimental evidence demonstrating its impact on protein function have been reported. The following publication has been ascertained in the context of this evaluation (PMID: 28481359). No submitters have cited clinical-significance assessments for this variant to ClinVar. Based on the evidence outlined above, the variant was classified as uncertain significance.

Dasa
Classification: Uncertain significance. Last evaluated: 2026-01-30. Review status: criteria provided, single submitter. Criteria: DASA Assertion Criteria. Collection method: clinical testing. Allele origin: germline.
Comment: NM_014159.7(SETD2):c.2606A>G (p.Asp869Gly) is a missense variant that results in the substitution of aspartic acid with glycine. This variant is rare in population databases. Computational prediction algorithms are consistent with a benign effect. The currently available literature and clinical evidence are not sufficient to establish a definitive association between this variant and the reported condition. Therefore, this variant is classified as a variant of uncertain significance.

Literature cited by the submitters: PubMed 28481359 (cited by Women's Health and Genetics/Laboratory Corporation of America, LabCorp).